The following is an entry in ClinVar:

NM_144670.6(A2ML1):c.2962C>G (p.Leu988Val)

Gene: A2ML1 (alpha-2-macroglobulin like 1; plus strand). Cytogenetic location: 12p13.31.
Variant type: single nucleotide variant.
Coding change: c.2962C>G on transcript NM_144670.6 (MANE Select); coding-DNA position 2962, C replaced by G.
Protein change: p.Leu988Val; replaces leucine 988 with valine.
Molecular consequence: missense variant.
Genome position (GRCh38, 1-based): chr12:8,857,277, C>G. VCF-style: chr12-8857277-C-G. GRCh37 (hg19) VCF-style: chr12-9009873-C-G.
Other names: c.1489C>G, p.Leu497Val (NM_001282424.3); short protein forms L497V, L988V.
Identifiers: ClinVar variation 4054524 (VCV004054524.1).

ClinVar aggregate classification (germline): Uncertain significance (1 of 4 stars; one submission).

Submission:

Ambry Genetics
Classification: Uncertain significance. Last evaluated: 2025-05-03. Review status: criteria provided, single submitter. Criteria: Ambry Variant Classification Scheme 2023. Collection method: clinical testing. Allele origin: germline.
Comment: The p.L988V variant (also known as c.2962C>G), located in coding exon 24 of the A2ML1 gene, results from a C to G substitution at nucleotide position 2962. The leucine at codon 988 is replaced by valine, an amino acid with highly similar properties. This amino acid position is conserved. In addition, the in silico prediction for this alteration is inconclusive. Based on the available evidence, the clinical significance of this variant remains unclear.